The following is an entry in ClinVar:

NM_015915.5(ATL1):c.1641G>A (p.Ser547=)

Gene: ATL1 (atlastin GTPase 1; plus strand). Cytogenetic location: 14q22.1.
Variant type: single nucleotide variant.
Coding change: c.1641G>A on transcript NM_015915.5 (MANE Select); coding-DNA position 1641, G replaced by A.
Protein change: p.Ser547=; no amino-acid change (serine 547 retained).
Molecular consequence: synonymous variant.
Genome position (GRCh38, 1-based): chr14:50,632,303, G>A. VCF-style: chr14-50632303-G-A. GRCh37 (hg19) VCF-style: chr14-51099021-G-A.
Other names: c.1626G>A, p.Ser542= (NM_001127713.1, NM_181598.4).
Identifiers: ClinVar variation 215894 (VCV000215894.13), dbSNP rs761099386, ClinGen allele CA336133.

ClinVar aggregate classification (germline): Likely benign. Review status: criteria provided, multiple submitters, no conflicts (2 of 4 stars). 3 submissions from 3 submitters: Likely benign (3). Last evaluated 2026-09-01.

Conditions:
Inborn genetic diseases. Identifiers: MedGen C0950123, MeSH D030342.
Hereditary spastic paraplegia 3A (SPG3A). Also called: SPASTIC PARAPLEGIA 3, AUTOSOMAL DOMINANT; FAMILIAL SPASTIC PARAPLEGIA, AUTOSOMAL DOMINANT, 1; SPG3; STRUMPELL DISEASE; Spastic Paraplegia 3A; Spastic paraplegia 3A, autosomal dominant. Identifiers: Orphanet 100984, MedGen C2931355, MONDO:0008437, OMIM 182600.

Allele frequency attached by ClinVar (database versions not stated): gnomAD 0.00001 and 0.00003; ExAC 0.00002; gnomAD exomes 0.00002 and 0.00004; TOPMed 0.00002.
gnomAD v4.1: 57 of 1,613,056 alleles (0.0035%); highest among the groups gnomAD compares: East Asian, 0.029%; no homozygotes.

Submissions (3):

CeGaT Center for Human Genetics Tuebingen
Classification: Likely benign. Last evaluated: 2026-09-01. Review status: criteria provided, single submitter. Criteria: CeGaT Center For Human Genetics Tuebingen Variant Classification Criteria Version 2. Collection method: clinical testing. Allele origin: germline. Affected: yes. Observed: 1 variant allele.
Comment: ATL1: BP4, BP7

Labcorp Genetics (formerly Invitae), Labcorp
Classification: Likely benign for Hereditary spastic paraplegia 3A. Last evaluated: 2026-01-13. Review status: criteria provided, single submitter. Criteria: Invitae Variant Classification Sherloc (09022015). Collection method: clinical testing. Allele origin: germline.

Ambry Genetics
Classification: Likely benign for Inborn genetic diseases. Last evaluated: 2019-07-11. Review status: criteria provided, single submitter. Criteria: Ambry Variant Classification Scheme 2023. Collection method: clinical testing. Allele origin: germline.